The following is an entry in ClinVar:

ClinVar aggregate classification (germline): Uncertain significance (1 of 4 stars; one submission).

Conditions:
HNSHA due to aldolase A deficiency (GSD12). Also called: GLYCOGEN STORAGE DISEASE XII; GSD XII; RED CELL ALDOLASE DEFICIENCY; Glycogen storage disease due to aldolase A deficiency. Identifiers: Orphanet 57, MedGen C0272066, MONDO:0012747, OMIM 611881.

Allele frequency attached by ClinVar (database versions not stated): ExAC 0.00001; gnomAD exomes 0.00001; ESP Exome Variant Server 0.00008.
gnomAD v4.1: 3 of 1,613,764 alleles (0.00019%); highest among the groups gnomAD compares: East Asian, 0.0045%; no homozygotes.

Submission:

Labcorp Genetics (formerly Invitae), Labcorp
Classification: Uncertain significance for HNSHA due to aldolase A deficiency. Last evaluated: 2022-05-05. Review status: criteria provided, single submitter. Criteria: Invitae Variant Classification Sherloc (09022015). Collection method: clinical testing. Allele origin: germline.
Comment: This sequence change replaces leucine, which is neutral and non-polar, with proline, which is neutral and non-polar, at codon 321 of the ALDOA protein (p.Leu321Pro). This variant is present in population databases (rs146116144, gnomAD 0.0009%). This variant has not been reported in the literature in individuals affected with ALDOA-related conditions. Algorithms developed to predict the effect of missense changes on protein structure and function (SIFT, PolyPhen-2, Align-GVGD) all suggest that this variant is likely to be tolerated. In summary, the available evidence is currently insufficient to determine the role of this variant in disease. Therefore, it has been classified as a Variant of Uncertain Significance.

NM_001243177.4(ALDOA):c.1124T>C (p.Leu375Pro)

Genes: ALDOA (aldolase, fructose-bisphosphate A; plus strand), LOC112694756 (uncharaterized LOC112694756; plus strand). Cytogenetic location: 16p11.2.
Variant type: single nucleotide variant.
Coding change: c.1124T>C on transcript NM_001243177.4 (MANE Select); coding-DNA position 1124, T replaced by C.
Protein change: p.Leu375Pro; replaces leucine 375 with proline.
Molecular consequence: missense variant. On other transcripts: 3 prime UTR variant (3).
Genome position (GRCh38, 1-based): chr16:30,069,992, T>C. VCF-style: chr16-30069992-T-C. GRCh37 (hg19) VCF-style: chr16-30081313-T-C.
Other names: c.*1471T>C (NM_001365304.2, NM_001365305.2, NM_001365307.2); c.962T>C, p.Leu321Pro (NM_001127617.2, NM_184041.5, NM_184043.2); short protein forms L375P, L321P.
Identifiers: ClinVar variation 2109238 (VCV002109238.1), dbSNP rs146116144, ClinGen allele CA8001206.